The following is an entry in ClinVar:

ClinVar aggregate classification (germline): Benign. Review status: criteria provided, multiple submitters, no conflicts (2 of 4 stars). 4 submissions from 4 submitters: Benign (4). Last evaluated 2026-02-03.

Conditions:
Hereditary spastic paraplegia 53. Also called: Spastic paraplegia 53, autosomal recessive. Identifiers: Orphanet 319199, MedGen C3539494, MONDO:0013962, OMIM 614898.

Allele frequency attached by ClinVar (database versions not stated): ESP Exome Variant Server 0.18807; gnomAD 0.22285; TOPMed 0.24634; 1000 Genomes Project 30x 0.34650; 1000 Genomes Project 0.34964.
gnomAD v4.1: 264,201 of 1,599,262 alleles (17%); highest among the groups gnomAD compares: East Asian, 60%; 30,605 homozygotes.

Submissions (4):

Labcorp Genetics (formerly Invitae), Labcorp
Classification: Benign for Hereditary spastic paraplegia 53. Last evaluated: 2026-02-03. Review status: criteria provided, single submitter. Criteria: Invitae Variant Classification Sherloc (09022015). Collection method: clinical testing. Allele origin: germline.

Genome-Nilou Lab
Classification: Benign for Hereditary spastic paraplegia 53. Last evaluated: 2021-12-05. Review status: criteria provided, single submitter. Criteria: ACMG Guidelines, 2015. Collection method: clinical testing. Allele origin: germline. Affected: no.

GeneDx
Classification: Benign. Last evaluated: 2016-03-03. Review status: criteria provided, single submitter. Criteria: GeneDx Variant Classification (06012015). Collection method: clinical testing. Allele origin: germline. Affected: yes.
Comment: This variant is considered likely benign or benign based on one or more of the following criteria: it is a conservative change, it occurs at a poorly conserved position in the protein, it is predicted to be benign by multiple in silico algorithms, and/or has population frequency not consistent with disease.

Breakthrough Genomics
Classification: Benign. Review status: criteria provided, single submitter. Criteria: ACMG Guidelines, 2015. Collection method: not provided. Allele origin: germline. Inheritance: Autosomal recessive inheritance. Affected: yes.

NM_152415.3(VPS37A):c.1053C>T (p.Asp351=)

Gene: VPS37A (VPS37A subunit of ESCRT-I; plus strand). Cytogenetic location: 8p22.
Variant type: single nucleotide variant.
Coding change: c.1053C>T on transcript NM_152415.3 (MANE Select); coding-DNA position 1053, C replaced by T.
Protein change: p.Asp351=; no amino-acid change (aspartic acid 351 retained).
Molecular consequence: synonymous variant.
Genome position (GRCh38, 1-based): chr8:17,284,556, C>T. VCF-style: chr8-17284556-C-T. GRCh37 (hg19) VCF-style: chr8-17142065-C-T.
Other names: c.978C>T, p.Asp326= (NM_001145152.2); c.1035C>T, p.Asp345= (NM_001363167.1); c.783C>T, p.Asp261= (NM_001363168.1, NM_001363169.1); c.765C>T, p.Asp255= (NM_001363170.1, NM_001363171.1, NM_001363172.2); c.1053C>T, p.Asp351= (NM_001363173.2).
Identifiers: ClinVar variation 380876 (VCV000380876.10), dbSNP rs2285269, ClinGen allele CA4643597.
Genomic context (GRCh38, chr8:17,284,556, plus strand): 5'-GGCAAGATTGAAAGTAGCTGCACATGAAGCTGAGGAAGAATCTGATAATATTGCAGAAGA[C>T]TTCTTGGAGGGAAAGATGGAAATAGATGATTTTCTCAGTAGCTTCATGGAAAAGAGAACA-3'
Protein context (NP_689628.2, residues 341-361): AEEESDNIAE[Asp351=]FLEGKMEIDD